The following is an entry in ClinVar:

ClinVar aggregate classification (germline): Uncertain significance (1 of 4 stars; one submission).

Conditions:
Autosomal recessive limb-girdle muscular dystrophy type 2J (LGMDR10). Also called: Limb-girdle muscular dystrophy, type 2J; MUSCULAR DYSTROPHY, LIMB-GIRDLE, AUTOSOMAL RECESSIVE 10. Identifiers: Orphanet 140922, MedGen C1837342, MONDO:0012127, OMIM 608807.
Dilated cardiomyopathy 1G (CMD1G). Identifiers: Orphanet 154, MedGen C1858763, MONDO:0011400, OMIM 604145.

gnomAD v4.1: 2 of 1,614,018 alleles (0.00012%); highest among the groups gnomAD compares: South Asian, 0.0011%; no homozygotes.

Submission:

Labcorp Genetics (formerly Invitae), Labcorp
Classification: Uncertain significance for Dilated cardiomyopathy 1G; Autosomal recessive limb-girdle muscular dystrophy type 2J. Last evaluated: 2025-12-15. Review status: criteria provided, single submitter. Criteria: Invitae Variant Classification Sherloc (09022015). Collection method: clinical testing. Allele origin: germline.
Comment: This sequence change replaces glutamine, which is neutral and polar, with arginine, which is basic and polar, at codon 34966 of the TTN protein (p.Gln34966Arg). This variant is not present in population databases (gnomAD no frequency). This variant has not been reported in the literature in individuals affected with TTN-related conditions. Experimental studies and prediction algorithms are not available or were not evaluated, and the functional significance of this variant is currently unknown. This variant is located in the M band of TTN (PMID: 25589632). Non-truncating variants in this region may be relevant for neuromuscular disorders, but have not been definitively shown to cause cardiomyopathy (PMID: 23975875). In summary, the available evidence is currently insufficient to determine the role of this variant in disease. Therefore, it has been classified as a Variant of Uncertain Significance.

Literature cited by the submitters: PubMed 25589632; PubMed 23975875.

NM_001267550.2(TTN):c.104897A>G (p.Gln34966Arg)

Genes: TTN-AS1 (TTN antisense RNA 1; plus strand), TTN (titin; minus strand). Cytogenetic location: 2q31.2.
Variant type: single nucleotide variant.
Coding change: c.104897A>G on transcript NM_001267550.2 (MANE Select); coding-DNA position 104897, A replaced by G.
Protein change: p.Gln34966Arg; replaces glutamine 34966 with arginine.
Molecular consequence: missense variant.
Genome position (GRCh38, 1-based): chr2:178,531,718, T>C on the plus strand (A>G on the coding strand, the complement: TTN is on the minus strand). VCF-style: chr2-178531718-T-C. GRCh37 (hg19) VCF-style: chr2-179396445-T-C.
Other names: c.99974A>G, p.Gln33325Arg (NM_001256850.1); c.77702A>G, p.Gln25901Arg (NM_003319.4); c.97193A>G, p.Gln32398Arg (NM_133378.4); c.78077A>G, p.Gln26026Arg (NM_133432.3); c.78278A>G, p.Gln26093Arg (NM_133437.4); short protein forms Q25901R, Q26093R, Q34966R, Q32398R, Q33325R, Q26026R.
Identifiers: ClinVar variation 4789139 (VCV004789139.1).